The following is an entry in ClinVar:

ClinVar aggregate classification (germline): Uncertain significance (1 of 4 stars; one submission).

Submission:

GeneDx
Classification: Uncertain significance. Last evaluated: 2025-05-22. Review status: criteria provided, single submitter. Criteria: GeneDx Variant Classification Process June 2021. Collection method: clinical testing. Allele origin: germline. Affected: yes.
Comment: Not observed at significant frequency in large population cohorts (gnomAD); In silico analysis suggests that this missense variant does not alter protein structure/function; Has not been previously published as pathogenic or benign to our knowledge.

NM_177438.3(DICER1):c.2196A>T (p.Glu732Asp)

Gene: DICER1 (dicer 1, ribonuclease III; minus strand). Cytogenetic location: 14q32.13.
Variant type: single nucleotide variant.
Coding change: c.2196A>T on transcript NM_177438.3 (MANE Select); coding-DNA position 2196, A replaced by T.
Protein change: p.Glu732Asp; replaces glutamic acid 732 with aspartic acid.
Molecular consequence: missense variant. On other transcripts: non-coding transcript variant (6).
Genome position (GRCh38, 1-based): chr14:95,111,377, T>A on the plus strand (A>T on the coding strand, the complement: DICER1 is on the minus strand). VCF-style: chr14-95111377-T-A. GRCh37 (hg19) VCF-style: chr14-95577714-T-A.
Other names: c.2196A>T, p.Glu732Asp (NM_001395694.1, NM_001395695.1, NM_030621.4 and 12 more transcripts); c.1791A>T, p.Glu597Asp (NM_001395696.1, NM_001395698.1, NM_001395687.1 and 3 more transcripts); c.513A>T, p.Glu171Asp (NM_001395697.1); c.1914A>T, p.Glu638Asp (NM_001395686.1); c.1629A>T, p.Glu543Asp (NM_001395691.1); short protein forms E171D, E543D, E597D, E638D, E732D.
Identifiers: ClinVar variation 4531029 (VCV004531029.1).